The following is an entry in ClinVar:

NM_004855.5(PIGB):c.1059C>T (p.Ser353=)

Gene: PIGB (phosphatidylinositol glycan anchor biosynthesis class B; plus strand). Cytogenetic location: 15q21.3.
Variant type: single nucleotide variant.
Coding change: c.1059C>T on transcript NM_004855.5 (MANE Select); coding-DNA position 1059, C replaced by T.
Protein change: p.Ser353=; no amino-acid change (serine 353 retained).
Molecular consequence: synonymous variant.
Genome position (GRCh38, 1-based): chr15:55,341,738, C>T. VCF-style: chr15-55341738-C-T. GRCh37 (hg19) VCF-style: chr15-55633936-C-T.
Other names: c.1059C>T (NM_004855.4).
Identifiers: ClinVar variation 1979214 (VCV001979214.4), dbSNP rs367727920, ClinGen allele CA270785465.

ClinVar aggregate classification (germline): Conflicting classifications of pathogenicity. Review status: criteria provided, conflicting classifications (1 of 4 stars). 3 submissions from 3 submitters: Uncertain significance (2); Likely benign (1). Last evaluated 2025-08-28.

Conditions:
Inborn genetic diseases. Identifiers: MedGen C0950123, MeSH D030342.

Allele frequency attached by ClinVar (database versions not stated): gnomAD 0.00003; gnomAD exomes 0.00003; ESP Exome Variant Server 0.00009.
gnomAD v4.1: 42 of 1,369,970 alleles (0.0031%); highest among the groups gnomAD compares: Non-Finnish European, 0.004%; no homozygotes.

Submissions (3):

Ambry Genetics
Classification: Likely benign for Inborn genetic diseases. Last evaluated: 2025-08-28. Review status: criteria provided, single submitter. Criteria: Ambry Variant Classification Scheme 2023. Collection method: clinical testing. Allele origin: germline.

Labcorp Genetics (formerly Invitae), Labcorp
Classification: Uncertain significance. Last evaluated: 2025-04-17. Review status: criteria provided, single submitter. Criteria: Invitae Variant Classification Sherloc (09022015). Collection method: clinical testing. Allele origin: germline.
Comment: This sequence change affects codon 353 of the PIGB mRNA. It is a 'silent' change, meaning that it does not change the encoded amino acid sequence of the PIGB protein. It affects a nucleotide within the consensus splice site. This variant is present in population databases (rs367727920, gnomAD 0.006%). This variant has not been reported in the literature in individuals affected with PIGB-related conditions. ClinVar contains an entry for this variant (Variation ID: 1979214). Algorithms developed to predict the effect of sequence changes on RNA splicing suggest that this variant is not likely to affect RNA splicing. In summary, the available evidence is currently insufficient to determine the role of this variant in disease. Therefore, it has been classified as a Variant of Uncertain Significance.

Blueprint Genetics
Classification: Uncertain significance. Last evaluated: 2024-05-28. Review status: criteria provided, single submitter. Criteria: ACMG Guidelines, 2015. Collection method: clinical testing. Allele origin: germline.